The following is an entry in ClinVar:

NM_001267550.2(TTN):c.32095+5G>C

Gene: TTN (titin; minus strand). Cytogenetic location: 2q31.2.
Variant type: single nucleotide variant.
Coding change: c.32095+5G>C on transcript NM_001267550.2 (MANE Select); 5 bases into the intron after coding-DNA position 32095, G replaced by C.
Molecular consequence: intron variant.
Genome position (GRCh38, 1-based): chr2:178,689,048, C>G on the plus strand (G>C on the coding strand, the complement: TTN is on the minus strand). VCF-style: chr2-178689048-C-G. GRCh37 (hg19) VCF-style: chr2-179553775-C-G.
Other names: c.13283-46731G>C (NM_003319.4); c.13859-46731G>C (NM_133437.4); c.13658-46731G>C (NM_133432.3); c.28363+5G>C (NM_133378.4); c.31144+5G>C (NM_001256850.1).
Identifiers: ClinVar variation 404771 (VCV000404771.9), dbSNP rs869312090, ClinGen allele CA16610461.
Genomic context (GRCh38, chr2:178,689,048, plus strand): 5'-TTAACACACTCGAAGATTTTTTTTTTTTTTTTTTTTTTTTGTCAGAGGATTGAGGCAAAT[C>G]CTACCTCGGGGAGGAGGAGCTTTCTTAGCGACAGGAACTGGCACTGCAACTTTCTCCTCT-3'

ClinVar aggregate classification (germline): Uncertain significance (1 of 4 stars; one submission).

Conditions:
Dilated cardiomyopathy 1G (CMD1G). Identifiers: Orphanet 154, MedGen C1858763, MONDO:0011400, OMIM 604145.
Autosomal recessive limb-girdle muscular dystrophy type 2J (LGMDR10). Also called: Limb-girdle muscular dystrophy, type 2J; MUSCULAR DYSTROPHY, LIMB-GIRDLE, AUTOSOMAL RECESSIVE 10. Identifiers: Orphanet 140922, MedGen C1837342, MONDO:0012127, OMIM 608807.

Submission:

Labcorp Genetics (formerly Invitae), Labcorp
Classification: Uncertain significance for Dilated cardiomyopathy 1G; Autosomal recessive limb-girdle muscular dystrophy type 2J. Last evaluated: 2016-10-26. Review status: criteria provided, single submitter. Criteria: Invitae Variant Classification Sherloc (09022015). Collection method: clinical testing. Allele origin: germline.
Comment: This variant is not present in population databases (ExAC no frequency) and has not been reported in the literature in individuals with a TTN-related disease. In summary, this is a novel silent change with uncertain impact on splicing. In addition, it is not located in a clinically relevant region of the TTN gene (PMID: 25589632). For these reasons it has been classified as a Variant of Uncertain Significance. Nucleotide substitutions within the consensus splice site are relatively common causes of aberrant splicing (PMID: 17576681, 9536098). Algorithms developed to predict the effect of nucleotide changes on RNA splicing suggest that this variant may alter RNA splicing, but this prediction has not been confirmed by published transcriptional studies. This sequence change falls in intron 125 of the TTN gene. It does not directly change the encoded amino acid sequence of the TTN protein.

Literature cited by the submitters: PubMed 25589632; PubMed 17576681; PubMed 9536098.